The following is an entry in ClinVar:

NM_017950.4(CCDC40):c.1889C>T (p.Ala630Val)

Gene: CCDC40 (coiled-coil domain 40 molecular ruler complex subunit; plus strand). Cytogenetic location: 17q25.3.
Variant type: single nucleotide variant.
Coding change: c.1889C>T on transcript NM_017950.4 (MANE Select); coding-DNA position 1889, C replaced by T.
Protein change: p.Ala630Val; replaces alanine 630 with valine.
Molecular consequence: missense variant.
Genome position (GRCh38, 1-based): chr17:80,081,958, C>T. VCF-style: chr17-80081958-C-T. GRCh37 (hg19) VCF-style: chr17-78055757-C-T.
Other names: c.1889C>T, p.Ala630Val (NM_001243342.2); short protein forms A630V.
Identifiers: ClinVar variation 162849 (VCV000162849.16), dbSNP rs61749058, ClinGen allele CA175431.

ClinVar aggregate classification (germline): Benign/Likely benign. Review status: criteria provided, multiple submitters, no conflicts (2 of 4 stars). 8 submissions from 8 submitters: Benign (7); Likely benign (1). Last evaluated 2024-11-28.

Conditions:
Primary ciliary dyskinesia. Also called: Ciliary dyskinesia. Identifiers: Orphanet 244, MedGen C0008780, MONDO:0016575, HP:0012265.
Primary ciliary dyskinesia 15. Also called: CILIARY DYSKINESIA, PRIMARY, 15, WITH OR WITHOUT SITUS INVERSUS. Identifiers: Orphanet 244, MedGen C3151137, MONDO:0013435, OMIM 613808.

Allele frequency attached by ClinVar (database versions not stated): 1000 Genomes Project 0.05052; 1000 Genomes Project 30x 0.05059; TOPMed 0.07929; gnomAD 0.08528 and 0.08699.
gnomAD v4.1: 171,753 of 1,613,548 alleles (11%); highest among the groups gnomAD compares: Non-Finnish European, 12%; 10,044 homozygotes.

Submissions (8):

Blueprint Genetics
Classification: Likely benign. Last evaluated: 2024-11-28. Review status: criteria provided, single submitter. Criteria: ACMG Guidelines, 2015. Collection method: clinical testing. Allele origin: germline.

Mayo Clinic Laboratories, Mayo Clinic
Classification: Benign. Last evaluated: 2022-04-26. Review status: criteria provided, single submitter. Criteria: ACMG Guidelines, 2015. Collection method: clinical testing. Allele origin: germline. Observed: 39 variant alleles.

GeneDx
Classification: Benign. Last evaluated: 2018-07-05. Review status: criteria provided, single submitter. Criteria: GeneDx Variant Classification Process June 2021. Collection method: clinical testing. Allele origin: germline. Affected: yes.

Illumina Laboratory Services, Illumina
Classification: Benign for Primary ciliary dyskinesia 15. Last evaluated: 2018-01-12. Review status: criteria provided, single submitter. Criteria: ICSL Variant Classification Criteria 13 December 2019. Collection method: clinical testing. Allele origin: germline.
Comment: This variant was observed in the ICSL laboratory as part of a predisposition screen in an ostensibly healthy population. It had not been previously curated by ICSL or reported in the Human Gene Mutation Database (HGMD: prior to June 1st, 2018), and was therefore a candidate for classification through an automated scoring system. Utilizing variant allele frequency, disease prevalence and penetrance estimates, and inheritance mode, an automated score was calculated to assess if this variant is too frequent to cause the disease. Based on the score and internal cut-off values, a variant classified as benign is not then subjected to further curation. The score for this variant resulted in a classification of benign for this disease.

Ambry Genetics
Classification: Benign for Primary ciliary dyskinesia. Last evaluated: 2016-07-07. Review status: criteria provided, single submitter. Criteria: Ambry Variant Classification Scheme 2023. Collection method: clinical testing. Allele origin: germline.

Laboratory for Molecular Medicine, Mass General Brigham Personalized Medicine
Classification: Benign. Last evaluated: 2013-02-21. Review status: criteria provided, single submitter. Criteria: LMM Criteria. Collection method: clinical testing. Allele origin: germline. Observed: 19 variant alleles.
Comment: Ala630Val in exon 12 of CCDC40: This variant is not expected to have clinical si gnificance because it has been identified in 11.3% (21/186) of Finnish chromosom es from a broad population by the 1000 Genomes Project (. gov/projects/SNP; dbSNP rs61749058).

Breakthrough Genomics
Classification: Benign. Review status: criteria provided, single submitter. Criteria: ACMG Guidelines, 2015. Collection method: not provided. Allele origin: germline. Inheritance: Autosomal recessive inheritance. Affected: yes.

PreventionGenetics, part of Exact Sciences
Classification: Benign. Review status: criteria provided, single submitter. Criteria: ACMG Guidelines, 2015. Collection method: clinical testing. Allele origin: germline.